The following is an entry in ClinVar:

NM_003000.3(SDHB):c.467A>G (p.Tyr156Cys)

Gene: SDHB (succinate dehydrogenase complex iron sulfur subunit B; minus strand). Cytogenetic location: 1p36.13.
Variant type: single nucleotide variant.
Coding change: c.467A>G on transcript NM_003000.3 (MANE Select); coding-DNA position 467, A replaced by G.
Protein change: p.Tyr156Cys; replaces tyrosine 156 with cysteine.
Molecular consequence: missense variant.
Genome position (GRCh38, 1-based): chr1:17,027,822, T>C on the plus strand (A>G on the coding strand, the complement: SDHB is on the minus strand). VCF-style: chr1-17027822-T-C. GRCh37 (hg19) VCF-style: chr1-17354317-T-C.
Other names: c.413A>G, p.Tyr138Cys (NM_001407361.1); short protein forms Y138C, Y156C.
Identifiers: ClinVar variation 3951400 (VCV003951400.1).

ClinVar aggregate classification (germline): Uncertain significance (1 of 4 stars; one submission).

Conditions:
Hereditary cancer-predisposing syndrome. Also called: Tumor predisposition; Hereditary neoplastic syndrome; Hereditary Cancer Syndrome; Neoplastic Syndromes, Hereditary. Identifiers: Orphanet 140162, MedGen C0027672, MeSH D009386, MONDO:0015356.

Submission:

Ambry Genetics
Classification: Uncertain significance for Hereditary cancer-predisposing syndrome. Last evaluated: 2025-06-13. Review status: criteria provided, single submitter. Criteria: Ambry Variant Classification Scheme 2023. Collection method: clinical testing. Allele origin: germline.
Comment: The p.Y156C variant (also known as c.467A>G), located in coding exon 5 of the SDHB gene, results from an A to G substitution at nucleotide position 467. The tyrosine at codon 156 is replaced by cysteine, an amino acid with highly dissimilar properties. This amino acid position is highly conserved in available vertebrate species. In addition, this alteration is predicted to be deleterious by in silico analysis. Based on the available evidence, the clinical significance of this variant remains unclear.